The following is an entry in ClinVar:

ClinVar aggregate classification (germline): Uncertain significance (1 of 4 stars; one submission).

Conditions:
Charcot-Marie-Tooth disease axonal type 2P. Also called: CHARCOT-MARIE-TOOTH DISEASE, AXONAL, TYPE 2G; CMT 2G; Charcot-Marie-Tooth Neuropathy Type 2G; CHARCOT-MARIE-TOOTH NEUROPATHY, TYPE 2P. Identifiers: Orphanet 300319, Orphanet 99941, MedGen C3280797, MONDO:0013753, OMIM 614436.

Allele frequency attached by ClinVar (database versions not stated): gnomAD exomes below 0.00001; gnomAD 0.00001; TOPMed 0.00003.

Submission:

Labcorp Genetics (formerly Invitae), Labcorp
Classification: Uncertain significance for Charcot-Marie-Tooth disease axonal type 2P. Last evaluated: 2025-09-21. Review status: criteria provided, single submitter. Criteria: Invitae Variant Classification Sherloc (09022015). Collection method: clinical testing. Allele origin: germline.
Comment: This sequence change replaces leucine, which is neutral and non-polar, with methionine, which is neutral and non-polar, at codon 708 of the LRSAM1 protein (p.Leu708Met). This variant is not present in population databases (gnomAD no frequency). This variant has not been reported in the literature in individuals affected with LRSAM1-related conditions. ClinVar contains an entry for this variant (Variation ID: 1378846). Invitae Evidence Modeling of protein sequence and biophysical properties (such as structural, functional, and spatial information, amino acid conservation, physicochemical variation, residue mobility, and thermodynamic stability) indicates that this missense variant is not expected to disrupt LRSAM1 protein function with a negative predictive value of 80%. In summary, the available evidence is currently insufficient to determine the role of this variant in disease. Therefore, it has been classified as a Variant of Uncertain Significance.

NM_001005373.4(LRSAM1):c.2122C>A (p.Leu708Met)

Gene: LRSAM1 (leucine rich repeat and sterile alpha motif containing 1; plus strand). Cytogenetic location: 9q34.11.
Variant type: single nucleotide variant.
Coding change: c.2122C>A on transcript NM_001005373.4 (MANE Select); coding-DNA position 2122, C replaced by A.
Protein change: p.Leu708Met; replaces leucine 708 with methionine.
Molecular consequence: missense variant. On other transcripts: non-coding transcript variant (2).
Genome position (GRCh38, 1-based): chr9:127,502,849, C>A. VCF-style: chr9-127502849-C-A. GRCh37 (hg19) VCF-style: chr9-130265128-C-A.
Other names: c.2122C>A, p.Leu708Met (NM_001005374.4, NM_001384142.1, NM_138361.5); c.2041C>A, p.Leu681Met (NM_001190723.3); c.2023C>A, p.Leu675Met (NM_001384143.1); c.1333C>A, p.Leu445Met (NM_001384144.1); short protein forms L445M, L681M, L708M, L675M.
Identifiers: ClinVar variation 1378846 (VCV001378846.6), dbSNP rs1836448549, ClinGen allele CA374939570.
Genomic context (GRCh38, chr9:127,502,849, plus strand): 5'-CTCAACTGTGGCCACGTCTGCTGCTGCCAGCAGTGCTGCCAGCCACTGCGCACCTGCCCG[C>A]TGTGCCGCCAGGACATCGCCCAGCGCCTCCGCATCTACCACAGCAGCTGAGTGCTGCCCG-3'
Protein context (NP_001005373.1, residues 698-718): QCCQPLRTCP[Leu708Met]CRQDIAQRLR